The following is an entry in ClinVar:

ClinVar aggregate classification (germline): Pathogenic/Likely pathogenic. Review status: criteria provided, multiple submitters, no conflicts (2 of 4 stars). 3 submissions from 3 submitters: Pathogenic (1); Likely pathogenic (2). Last evaluated 2024-02-02.

Conditions:
Bardet-Biedl syndrome (BBS). Identifiers: Orphanet 110, MedGen C0752166, MONDO:0015229.
BBS10-related disorder. Also called: BBS10-related condition.
Bardet-Biedl syndrome 10 (BBS10). Identifiers: Orphanet 110, MedGen C1859568, MONDO:0014438, OMIM 615987.

Allele frequency attached by ClinVar (database versions not stated): gnomAD exomes below 0.00001.

Submissions (3):

Labcorp Genetics (formerly Invitae), Labcorp
Classification: Pathogenic for Bardet-Biedl syndrome. Last evaluated: 2024-02-02. Review status: criteria provided, single submitter. Criteria: Invitae Variant Classification Sherloc (09022015). Collection method: clinical testing. Allele origin: germline.
Comment: This sequence change creates a premature translational stop signal (p.Cys28*) in the BBS10 gene. It is expected to result in an absent or disrupted protein product. Loss-of-function variants in BBS10 are known to be pathogenic (PMID: 26273430, 27659767). The frequency data for this variant in the population databases is considered unreliable, as metrics indicate poor data quality at this position in the gnomAD database. This variant has not been reported in the literature in individuals affected with BBS10-related conditions. ClinVar contains an entry for this variant (Variation ID: 1457055). For these reasons, this variant has been classified as Pathogenic.

Blueprint Genetics
Classification: Likely pathogenic for BBS10-related disorders. Last evaluated: 2022-11-06. Review status: criteria provided, single submitter. Criteria: ACMG Guidelines, 2015. Collection method: clinical testing. Allele origin: germline. Affected: yes. Observed: 2 variant alleles.

Fulgent Genetics
Classification: Likely pathogenic for Bardet-Biedl syndrome 10. Last evaluated: 2021-10-26. Review status: criteria provided, single submitter. Criteria: ACMG Guidelines, 2015. Collection method: clinical testing. Allele origin: unknown.

Literature cited by the submitters: PubMed 26273430 (cited by Labcorp Genetics (formerly Invitae), Labcorp); PubMed 27659767 (cited by Labcorp Genetics (formerly Invitae), Labcorp).

NM_024685.4(BBS10):c.84C>A (p.Cys28Ter)

Gene: BBS10 (Bardet-Biedl syndrome 10; minus strand). Cytogenetic location: 12q21.2.
Variant type: single nucleotide variant.
Coding change: c.84C>A on transcript NM_024685.4 (MANE Select); coding-DNA position 84, C replaced by A.
Protein change: p.Cys28Ter; replaces cysteine 28 with a stop codon.
Molecular consequence: nonsense.
Genome position (GRCh38, 1-based): chr12:76,348,275, G>T on the plus strand (C>A on the coding strand, the complement: BBS10 is on the minus strand). VCF-style: chr12-76348275-G-T. GRCh37 (hg19) VCF-style: chr12-76742055-G-T.
Other names: short protein forms C28*.
Identifiers: ClinVar variation 1457055 (VCV001457055.11), dbSNP rs1476664656, ClinGen allele CA385816277.